The following is an entry in ClinVar:

NM_018230.3(NUP133):c.1868G>A (p.Arg623His)

Gene: NUP133 (nucleoporin 133; minus strand). Cytogenetic location: 1q42.13.
Variant type: single nucleotide variant.
Coding change: c.1868G>A on transcript NM_018230.3 (MANE Select); coding-DNA position 1868, G replaced by A.
Protein change: p.Arg623His; replaces arginine 623 with histidine.
Molecular consequence: missense variant.
Genome position (GRCh38, 1-based): chr1:229,470,788, C>T on the plus strand (G>A on the coding strand, the complement: NUP133 is on the minus strand). VCF-style: chr1-229470788-C-T. GRCh37 (hg19) VCF-style: chr1-229606535-C-T.
Other names: short protein forms R623H.
Identifiers: ClinVar variation 3881669 (VCV003881669.2).
Genomic context (GRCh38, chr1:229,470,788, plus strand): 5'-TGCTCACAGAGCAACAGTCGAGTGGCCATCGGTGTCCCTCTAACTGGAAAACTGCCTAGA[C>T]GTCCAAATAAGCCAACCTTGCAAAAAGGCAAACACATATTCTCAGAAAGCAATTATGGTA-3'
Protein context (NP_060700.2, residues 613-633): DFIHQVGLFG[Arg623His]LGSFPVRGTP

ClinVar aggregate classification (germline): Uncertain significance. Review status: criteria provided, multiple submitters, no conflicts (2 of 4 stars). 2 submissions from 2 submitters: Uncertain significance (2). Last evaluated 2025-06-10.

gnomAD v4.1: 11 of 1,613,756 alleles (0.00068%); highest among the groups gnomAD compares: African/African-American, 0.0027%; no homozygotes.

Submissions (2):

Labcorp Genetics (formerly Invitae), Labcorp
Classification: Uncertain significance. Last evaluated: 2025-06-10. Review status: criteria provided, single submitter. Criteria: Invitae Variant Classification Sherloc (09022015). Collection method: clinical testing. Allele origin: germline.
Comment: This sequence change replaces arginine, which is basic and polar, with histidine, which is basic and polar, at codon 623 of the NUP133 protein (p.Arg623His). This variant is present in population databases (no rsID available, gnomAD 0.003%). This variant has not been reported in the literature in individuals affected with NUP133-related conditions. ClinVar contains an entry for this variant (Variation ID: 3881669). An algorithm developed to predict the effect of missense changes on protein structure and function (PolyPhen-2) suggests that this variant is likely to be disruptive. In summary, the available evidence is currently insufficient to determine the role of this variant in disease. Therefore, it has been classified as a Variant of Uncertain Significance.

Ambry Genetics
Classification: Uncertain significance. Last evaluated: 2025-01-16. Review status: criteria provided, single submitter. Criteria: Ambry Variant Classification Scheme 2023. Collection method: clinical testing. Allele origin: germline.